The following is an entry in ClinVar:

ClinVar aggregate classification (germline): Uncertain significance. Review status: criteria provided, multiple submitters, no conflicts (2 of 4 stars). 2 submissions from 2 submitters: Uncertain significance (2). Last evaluated 2023-08-15.

Conditions:
Lafora disease. Also called: Epilepsy progressive myoclonic 2; Progressive Myoclonus Epilepsy, Lafora Type. Identifiers: Orphanet 501, MedGen C0751783, MONDO:0009697.

Allele frequency attached by ClinVar (database versions not stated): gnomAD exomes below 0.00001; ExAC 0.00001; gnomAD 0.00001; TOPMed 0.00001.

Submissions (2):

Labcorp Genetics (formerly Invitae), Labcorp
Classification: Uncertain significance for Lafora disease. Last evaluated: 2023-08-15. Review status: criteria provided, single submitter. Criteria: Invitae Variant Classification Sherloc (09022015). Collection method: clinical testing. Allele origin: germline.
Comment: This variant has not been reported in the literature in individuals affected with NHLRC1-related conditions. This variant is present in population databases (rs755474952, gnomAD 0.0009%). This sequence change replaces serine, which is neutral and polar, with alanine, which is neutral and non-polar, at codon 270 of the NHLRC1 protein (p.Ser270Ala). ClinVar contains an entry for this variant (Variation ID: 839070). In summary, the available evidence is currently insufficient to determine the role of this variant in disease. Therefore, it has been classified as a Variant of Uncertain Significance. Advanced modeling of protein sequence and biophysical properties (such as structural, functional, and spatial information, amino acid conservation, physicochemical variation, residue mobility, and thermodynamic stability) performed at Invitae indicates that this missense variant is not expected to disrupt NHLRC1 protein function.

Blueprint Genetics
Classification: Uncertain significance. Last evaluated: 2021-02-16. Review status: criteria provided, single submitter. Criteria: ACMG Guidelines, 2015. Collection method: clinical testing. Allele origin: germline.

NM_198586.3(NHLRC1):c.808T>G (p.Ser270Ala)

Gene: NHLRC1 (NHL repeat containing E3 ubiquitin protein ligase 1; minus strand). Cytogenetic location: 6p22.3.
Variant type: single nucleotide variant.
Coding change: c.808T>G on transcript NM_198586.3 (MANE Select); coding-DNA position 808, T replaced by G.
Protein change: p.Ser270Ala; replaces serine 270 with alanine.
Molecular consequence: missense variant.
Genome position (GRCh38, 1-based): chr6:18,121,799, A>C on the plus strand (T>G on the coding strand, the complement: NHLRC1 is on the minus strand). VCF-style: chr6-18121799-A-C. GRCh37 (hg19) VCF-style: chr6-18122030-A-C.
Other names: short protein forms S270A.
Identifiers: ClinVar variation 839070 (VCV000839070.10), dbSNP rs755474952, ClinGen allele CA3649924.